The following is an entry in ClinVar:

ClinVar aggregate classification (germline): Uncertain significance (1 of 4 stars; one submission).

Submission:

Labcorp Genetics (formerly Invitae), Labcorp
Classification: Uncertain significance. Last evaluated: 2024-07-01. Review status: criteria provided, single submitter. Criteria: Invitae Variant Classification Sherloc (09022015). Collection method: clinical testing. Allele origin: germline.
Comment: This sequence change replaces cysteine, which is neutral and slightly polar, with phenylalanine, which is neutral and non-polar, at codon 50 of the KCNH1 protein (p.Cys50Phe). Information on the frequency of this variant in the gnomAD database is not available, as this variant may be reported differently in the database. This variant has not been reported in the literature in individuals affected with KCNH1-related conditions. An algorithm developed to predict the effect of missense changes on protein structure and function (PolyPhen-2) suggests that this variant is likely to be disruptive. In summary, the available evidence is currently insufficient to determine the role of this variant in disease. Therefore, it has been classified as a Variant of Uncertain Significance.

NM_172362.3(KCNH1):c.149_150delinsTT (p.Cys50Phe)

Gene: KCNH1 (potassium voltage-gated channel subfamily H member 1; minus strand). Cytogenetic location: 1q32.2.
Variant type: Indel.
Coding change: c.149_150delinsTT on transcript NM_172362.3 (MANE Select); coding-DNA positions 149 to 150, GC replaced by TT.
Protein change: p.Cys50Phe; replaces cysteine 50 with phenylalanine.
Molecular consequence: missense variant.
Genome position (GRCh38, 1-based): chr1:211,107,307-211,107,308, GC replaced by AA on the plus strand (GC replaced by TT on the coding strand, the reverse complement: KCNH1 is on the minus strand). VCF-style: chr1-211107307-GC-AA. GRCh37 (hg19) VCF-style: chr1-211280649-GC-AA.
Other names: c.149_150delinsTT, p.Cys50Phe (NM_002238.4); short protein forms C50F.
Identifiers: ClinVar variation 3658391 (VCV003658391.2).